The following is an entry in ClinVar:

NM_000642.3(AGL):c.2798A>G (p.Tyr933Cys)

Gene: AGL (amylo-alpha-1,6-glucosidase and 4-alpha-glucanotransferase; plus strand). Cytogenetic location: 1p21.2.
Variant type: single nucleotide variant.
Coding change: c.2798A>G on transcript NM_000642.3 (MANE Select); coding-DNA position 2798, A replaced by G.
Protein change: p.Tyr933Cys; replaces tyrosine 933 with cysteine.
Molecular consequence: missense variant.
Genome position (GRCh38, 1-based): chr1:99,888,094, A>G. VCF-style: chr1-99888094-A-G. GRCh37 (hg19) VCF-style: chr1-100353650-A-G.
Other names: c.2798A>G, p.Tyr933Cys (NM_000028.3, NM_000643.3, NM_000644.3 and 2 more transcripts); c.2750A>G, p.Tyr917Cys (NM_000646.3); c.2597A>G, p.Tyr866Cys (NM_001425327.1); c.2594A>G, p.Tyr865Cys (NM_001425328.1); c.2459A>G, p.Tyr820Cys (NM_001425329.1); c.2420A>G, p.Tyr807Cys (NM_001425332.1); short protein forms Y917C, Y933C, Y807C, Y820C, Y865C, Y866C.
Identifiers: ClinVar variation 849976 (VCV000849976.7), dbSNP rs756888005, ClinGen allele CA341323279.

ClinVar aggregate classification (germline): Uncertain significance (1 of 4 stars; one submission).

Conditions:
Glycogen storage disease type III (GSD3). Also called: FORBES DISEASE; Cori disease. Identifiers: Orphanet 366, MedGen C0017922, MONDO:0009291, OMIM 232400.

Allele frequency attached by ClinVar (database versions not stated): gnomAD 0.00001; TOPMed 0.00001.
gnomAD v4.1: 2 of 1,613,128 alleles (0.00012%); highest among the groups gnomAD compares: African/African-American, 0.0013%; no homozygotes.

Submission:

Labcorp Genetics (formerly Invitae), Labcorp
Classification: Uncertain significance for Glycogen storage disease type III. Last evaluated: 2022-03-18. Review status: criteria provided, single submitter. Criteria: Invitae Variant Classification Sherloc (09022015). Collection method: clinical testing. Allele origin: germline.
Comment: This sequence change replaces tyrosine, which is neutral and polar, with cysteine, which is neutral and slightly polar, at codon 933 of the AGL protein (p.Tyr933Cys). This variant is not present in population databases (gnomAD no frequency). This variant has not been reported in the literature in individuals affected with AGL-related conditions. ClinVar contains an entry for this variant (Variation ID: 849976). Algorithms developed to predict the effect of missense changes on protein structure and function are either unavailable or do not agree on the potential impact of this missense change (SIFT: "Deleterious"; PolyPhen-2: "Probably Damaging"; Align-GVGD: "Class C0"). In summary, the available evidence is currently insufficient to determine the role of this variant in disease. Therefore, it has been classified as a Variant of Uncertain Significance.